The following is an entry in ClinVar:

ClinVar aggregate classification (germline): Uncertain significance. Review status: criteria provided, multiple submitters, no conflicts (2 of 4 stars). 3 submissions from 3 submitters: Uncertain significance (3). Last evaluated 2026-05-26.

Conditions:
Inborn genetic diseases. Identifiers: MedGen C0950123, MeSH D030342.
Bethlem myopathy 1A. Also called: Bethlem myopathy 1; MYOPATHY, BENIGN CONGENITAL, WITH CONTRACTURES; Bethlem Muscular Dystrophy. Identifiers: Orphanet 610, MedGen CN029274, MONDO:0024530, OMIM 158810.

gnomAD v4.1: 19 of 1,613,170 alleles (0.0012%); highest among the groups gnomAD compares: Non-Finnish European, 0.0014%; no homozygotes.

Submissions (3):

Ambry Genetics
Classification: Uncertain significance for Inborn genetic diseases. Last evaluated: 2026-05-26. Review status: criteria provided, single submitter. Criteria: Ambry Variant Classification Scheme 2023. Collection method: clinical testing. Allele origin: germline.

Labcorp Genetics (formerly Invitae), Labcorp
Classification: Uncertain significance for Bethlem myopathy 1A. Last evaluated: 2025-04-22. Review status: criteria provided, single submitter. Criteria: Invitae Variant Classification Sherloc (09022015). Collection method: clinical testing. Allele origin: germline.
Comment: This sequence change replaces arginine, which is basic and polar, with histidine, which is basic and polar, at codon 713 of the COL6A2 protein (p.Arg713His). This variant is not present in population databases (gnomAD no frequency). This variant has not been reported in the literature in individuals affected with COL6A2-related conditions. ClinVar contains an entry for this variant (Variation ID: 2049739). Invitae Evidence Modeling of protein sequence and biophysical properties (such as structural, functional, and spatial information, amino acid conservation, physicochemical variation, residue mobility, and thermodynamic stability) indicates that this missense variant is not expected to disrupt COL6A2 protein function with a negative predictive value of 80%. In summary, the available evidence is currently insufficient to determine the role of this variant in disease. Therefore, it has been classified as a Variant of Uncertain Significance.

GeneDx
Classification: Uncertain significance. Last evaluated: 2025-03-20. Review status: criteria provided, single submitter. Criteria: GeneDx Variant Classification Process June 2021. Collection method: clinical testing. Allele origin: germline. Affected: yes.
Comment: Not observed at significant frequency in large population cohorts (gnomAD); In silico analysis indicates that this missense variant does not alter protein structure/function; Has not been previously published as pathogenic or benign to our knowledge

NM_001849.4(COL6A2):c.2138G>A (p.Arg713His)

Gene: COL6A2 (collagen type VI alpha 2 chain; plus strand). Cytogenetic location: 21q22.3.
Variant type: single nucleotide variant.
Coding change: c.2138G>A on transcript NM_001849.4 (MANE Select); coding-DNA position 2138, G replaced by A.
Protein change: p.Arg713His; replaces arginine 713 with histidine.
Molecular consequence: missense variant.
Genome position (GRCh38, 1-based): chr21:46,125,953, G>A. VCF-style: chr21-46125953-G-A. GRCh37 (hg19) VCF-style: chr21-47545867-G-A.
Other names: c.2138G>A, p.Arg713His (NM_058174.3, NM_058175.3); short protein forms R713H.
Identifiers: ClinVar variation 2049739 (VCV002049739.6), dbSNP rs746159648, ClinGen allele CA10072449.
Genomic context (GRCh38, chr21:46,125,953, plus strand): 5'-ACCTCGAGTGGATTGCGGGCGGCACCTGGACACCCTCAGCCCTCAAGTTTGCCTACGACC[G>A]CCTCATCAAGGAGAGCCGGCGCCAGAAGACACGTGTGTTTGCGGTGGTCATCACGGACGG-3'
Protein context (NP_001840.3, residues 703-723): TPSALKFAYD[Arg713His]LIKESRRQKT